The following is an entry in ClinVar:

ClinVar aggregate classification (germline): Uncertain significance. Review status: criteria provided, multiple submitters, no conflicts (2 of 4 stars). 2 submissions from 2 submitters: Uncertain significance (2). Last evaluated 2026-07-06.

Conditions:
Hereditary cancer-predisposing syndrome. Also called: Tumor predisposition; Hereditary neoplastic syndrome; Neoplastic Syndromes, Hereditary; Hereditary Cancer Syndrome. Identifiers: Orphanet 140162, MedGen C0027672, MeSH D009386, MONDO:0015356.
Juvenile polyposis syndrome (JPS). Identifiers: Orphanet 2929, MedGen C0345893, MONDO:0017380, OMIM 174900.

Submissions (2):

Ambry Genetics
Classification: Uncertain significance for Hereditary cancer-predisposing syndrome. Last evaluated: 2026-07-06. Review status: criteria provided, single submitter. Criteria: Ambry Variant Classification Scheme 2023. Collection method: clinical testing. Allele origin: germline.
Comment: The p.F264L variant (also known as c.790T>C), located in coding exon 7 of the BMPR1A gene, results from a T to C substitution at nucleotide position 790. The phenylalanine at codon 264 is replaced by leucine, an amino acid with highly similar properties. This amino acid position is conserved. In addition, the in silico prediction for this alteration is inconclusive. Based on the available evidence, the clinical significance of this variant remains unclear.

Labcorp Genetics (formerly Invitae), Labcorp
Classification: Uncertain significance for Juvenile polyposis syndrome. Last evaluated: 2022-10-10. Review status: criteria provided, single submitter. Criteria: Invitae Variant Classification Sherloc (09022015). Collection method: clinical testing. Allele origin: germline.
Comment: In summary, the available evidence is currently insufficient to determine the role of this variant in disease. Therefore, it has been classified as a Variant of Uncertain Significance. Advanced modeling of protein sequence and biophysical properties (such as structural, functional, and spatial information, amino acid conservation, physicochemical variation, residue mobility, and thermodynamic stability) performed at Invitae indicates that this missense variant is not expected to disrupt BMPR1A protein function. This variant has not been reported in the literature in individuals affected with BMPR1A-related conditions. This variant is not present in population databases (gnomAD no frequency). This sequence change replaces phenylalanine, which is neutral and non-polar, with leucine, which is neutral and non-polar, at codon 264 of the BMPR1A protein (p.Phe264Leu).

NM_004329.3(BMPR1A):c.790T>C (p.Phe264Leu)

Gene: BMPR1A (bone morphogenetic protein receptor type 1A; plus strand). Cytogenetic location: 10q23.2.
Variant type: single nucleotide variant.
Coding change: c.790T>C on transcript NM_004329.3 (MANE Select); coding-DNA position 790, T replaced by C.
Protein change: p.Phe264Leu; replaces phenylalanine 264 with leucine.
Molecular consequence: missense variant.
Genome position (GRCh38, 1-based): chr10:86,917,248, T>C. VCF-style: chr10-86917248-T-C. GRCh37 (hg19) VCF-style: chr10-88677005-T-C.
Other names: c.865T>C, p.Phe289Leu (NM_001406559.1); c.838T>C, p.Phe280Leu (NM_001406560.1); c.790T>C, p.Phe264Leu (NM_001406561.1, NM_001406562.1, NM_001406563.1 and 19 more transcripts); c.784T>C, p.Phe262Leu (NM_001406583.1); c.706T>C, p.Phe236Leu (NM_001406584.1, NM_001406585.1, NM_001406586.1 and 2 more transcripts); c.448T>C, p.Phe150Leu (NM_001406589.1); short protein forms F150L, F236L, F262L, F264L, F280L, F289L.
Identifiers: ClinVar variation 1721371 (VCV001721371.7), dbSNP rs2539604322, ClinGen allele CA377458134.